The following is an entry in ClinVar:

ClinVar aggregate classification (germline): Uncertain significance. Review status: criteria provided, multiple submitters, no conflicts (2 of 4 stars). 2 submissions from 2 submitters: Uncertain significance (2). Last evaluated 2025-10-19.

Conditions:
Ataxia-telangiectasia syndrome (AT). Also called: ATAXIA-TELANGIECTASIA, FRESNO VARIANT; Ataxia-telangiectasia, complementation group D; Cerebello-oculocutaneous telangiectasia; Immunodeficiency with ataxia telangiectasia; Ataxia-telangiectasia; Ataxia telangiectasia (A-T). Identifiers: Orphanet 100, MedGen C0004135, MONDO:0008840, OMIM 208900.
Hereditary cancer-predisposing syndrome. Also called: Neoplastic Syndromes, Hereditary; Hereditary neoplastic syndrome; Hereditary Cancer Syndrome; Tumor predisposition. Identifiers: Orphanet 140162, MedGen C0027672, MeSH D009386, MONDO:0015356.

Submissions (2):

Labcorp Genetics (formerly Invitae), Labcorp
Classification: Uncertain significance for Ataxia-telangiectasia syndrome. Last evaluated: 2025-10-19. Review status: criteria provided, single submitter. Criteria: Invitae Variant Classification Sherloc (09022015). Collection method: clinical testing. Allele origin: germline.
Comment: This sequence change replaces aspartic acid, which is acidic and polar, with valine, which is neutral and non-polar, at codon 1511 of the ATM protein (p.Asp1511Val). This variant is not present in population databases (gnomAD no frequency). This variant has not been reported in the literature in individuals affected with ATM-related conditions. ClinVar contains an entry for this variant (Variation ID: 658494). Invitae Evidence Modeling of protein sequence and biophysical properties (such as structural, functional, and spatial information, amino acid conservation, physicochemical variation, residue mobility, and thermodynamic stability) has been performed for this missense variant. However, the output from this modeling did not meet the statistical confidence thresholds required to predict the impact of this variant on ATM protein function. Algorithms developed to predict the effect of sequence changes on RNA splicing suggest that this variant may disrupt the consensus splice site. In summary, the available evidence is currently insufficient to determine the role of this variant in disease. Therefore, it has been classified as a Variant of Uncertain Significance.

Ambry Genetics
Classification: Uncertain significance for Hereditary cancer-predisposing syndrome. Last evaluated: 2019-07-16. Review status: criteria provided, single submitter. Criteria: Ambry Variant Classification Scheme 2023. Collection method: clinical testing. Allele origin: germline.
Comment: The p.D1511V variant (also known as c.4532A>T), located in coding exon 29 of the ATM gene, results from an A to T substitution at nucleotide position 4532. The aspartic acid at codon 1511 is replaced by valine, an amino acid with highly dissimilar properties. This amino acid position is highly conserved in available vertebrate species. In addition, the in silico prediction for this alteration is inconclusive. Since supporting evidence is limited at this time, the clinical significance of this alteration remains unclear.

NM_000051.4(ATM):c.4532A>T (p.Asp1511Val)

Gene: ATM (ATM serine/threonine kinase; plus strand). Cytogenetic location: 11q22.3.
Variant type: single nucleotide variant.
Coding change: c.4532A>T on transcript NM_000051.4 (MANE Select); coding-DNA position 4532, A replaced by T.
Protein change: p.Asp1511Val; replaces aspartic acid 1511 with valine.
Molecular consequence: missense variant.
Genome position (GRCh38, 1-based): chr11:108,292,714, A>T. VCF-style: chr11-108292714-A-T. GRCh37 (hg19) VCF-style: chr11-108163441-A-T.
Other names: c.4532A>T, p.Asp1511Val (NM_001351834.2); short protein forms D1511V.
Identifiers: ClinVar variation 658494 (VCV000658494.15), dbSNP rs1591674356, ClinGen allele CA382533712.